The following is an entry in ClinVar:

NM_000256.3(MYBPC3):c.2064G>A (p.Thr688=)

Gene: MYBPC3 (myosin binding protein C3; minus strand). Cytogenetic location: 11p11.2.
Variant type: single nucleotide variant.
Coding change: c.2064G>A on transcript NM_000256.3 (MANE Select); coding-DNA position 2064, G replaced by A.
Protein change: p.Thr688=; no amino-acid change (threonine 688 retained).
Molecular consequence: synonymous variant.
Genome position (GRCh38, 1-based): chr11:47,339,654, C>T on the plus strand (G>A on the coding strand, the complement: MYBPC3 is on the minus strand). VCF-style: chr11-47339654-C-T. GRCh37 (hg19) VCF-style: chr11-47361205-C-T.
Other names: c.2064G>A, p.Thr688= (LRG_386t1).
Identifiers: ClinVar variation 264604 (VCV000264604.22), dbSNP rs758224257, ClinGen allele CA078495.

ClinVar aggregate classification (germline): Likely benign. Review status: criteria provided, multiple submitters, no conflicts (2 of 4 stars). 7 submissions from 7 submitters: Likely benign (6). 1 of the submissions does not count toward it. Last evaluated 2025-11-09.

Conditions:
MYBPC3-related disorder. Also called: MYBPC3-related condition; MYBPC3-related disease; MYBPC3-related disorders.
Cardiovascular phenotype. Identifiers: MedGen CN230736.
Cardiomyopathy (CMYO). Also called: Cardiomyopathies. Identifiers: Orphanet 167848, MedGen C0878544, MONDO:0004994, HP:0001638. Inheritance: Various modes of inheritance.
Hypertrophic cardiomyopathy. Also called: HYPERTROPHIC MYOCARDIOPATHY. Identifiers: Orphanet 217569, MedGen C0007194, MeSH D002312, MONDO:0005045, HP:0001639.

Allele frequency attached by ClinVar (database versions not stated): gnomAD 0.00003; TOPMed 0.00003; ExAC 0.00012.
gnomAD v4.1: 76 of 1,594,128 alleles (0.0048%); highest among the groups gnomAD compares: Non-Finnish European, 0.0062%; no homozygotes.

Submissions (7):

Labcorp Genetics (formerly Invitae), Labcorp
Classification: Likely benign for Hypertrophic cardiomyopathy. Last evaluated: 2025-11-09. Review status: criteria provided, single submitter. Criteria: Invitae Variant Classification Sherloc (09022015). Collection method: clinical testing. Allele origin: germline.

Blueprint Genetics
Classification: Likely benign. Last evaluated: 2024-04-05. Review status: criteria provided, single submitter. Criteria: ACMG Guidelines, 2015. Collection method: clinical testing. Allele origin: germline.

All of Us Research Program, National Institutes of Health
Classification: Likely benign for Hypertrophic cardiomyopathy. Last evaluated: 2024-01-11. Review status: criteria provided, single submitter. Criteria: ACMG Guidelines, 2015. Collection method: clinical testing. Allele origin: germline. Inheritance: Autosomal dominant inheritance. Observed: 13 variant alleles, 13 heterozygotes.
Comment: This study involves interpretation of variants in research participants for the purpose of population health screening. Participant phenotype was not available at the time of variant classification. Additional details can be found in publication PMID: 35346344, PMCID: PMC8962531

Women's Health and Genetics/Laboratory Corporation of America, LabCorp
Classification: Likely benign. Last evaluated: 2023-08-12. Review status: criteria provided, single submitter. Criteria: LabCorp Variant Classification Summary - May 2015. Collection method: clinical testing. Allele origin: germline.

Color Diagnostics, LLC DBA Color Health
Classification: Likely benign for Cardiomyopathy. Last evaluated: 2018-11-16. Review status: criteria provided, single submitter. Criteria: ACMG Guidelines, 2015. Collection method: clinical testing. Allele origin: germline.

Ambry Genetics
Classification: Likely benign for Cardiovascular phenotype. Last evaluated: 2015-12-11. Review status: criteria provided, single submitter. Criteria: Ambry Variant Classification Scheme 2023. Collection method: clinical testing. Allele origin: germline.

PreventionGenetics, part of Exact Sciences
Classification: Likely benign for MYBPC3-related condition. Last evaluated: 2019-02-22. Review status: no assertion criteria provided. Collection method: clinical testing. Allele origin: germline. Not counted in ClinVar's aggregate classification.
Comment: This variant is classified as likely benign based on ACMG/AMP sequence variant interpretation guidelines (Richards et al. 2015 PMID: 25741868, with internal and published modifications).